The following is an entry in ClinVar:

NM_024596.5(MCPH1):c.1973+1G>A

Gene: MCPH1 (microcephalin 1; plus strand). Cytogenetic location: 8p23.1.
Variant type: single nucleotide variant.
Coding change: c.1973+1G>A on transcript NM_024596.5 (MANE Select); the canonical splice donor site of the intron after coding-DNA position 1973, G replaced by A.
Molecular consequence: splice donor variant. On other transcripts: intron variant (1).
Genome position (GRCh38, 1-based): chr8:6,477,632, G>A. VCF-style: chr8-6477632-G-A. GRCh37 (hg19) VCF-style: chr8-6335153-G-A.
Other names: c.1973+1G>A (NM_001322042.2, NM_001363979.1, NM_001410917.1 and 1 more transcripts); c.1935+22380G>A (NM_001363980.2).
Identifiers: ClinVar variation 3595808 (VCV003595808.3).

ClinVar aggregate classification (germline): Likely pathogenic. Review status: criteria provided, multiple submitters, no conflicts (2 of 4 stars). 2 submissions from 2 submitters: Likely pathogenic (2). Last evaluated 2024-01-12.

Conditions:
Microcephaly 1, primary, autosomal recessive (MCPH1). Also called: PREMATURE CHROMOSOME CONDENSATION SYNDROME; PCC SYNDROME; PREMATURE CHROMOSOME CONDENSATION WITH MICROCEPHALY AND MENTAL RETARDATION. Identifiers: Orphanet 2512, MedGen C1855081, MONDO:0009617, OMIM 251200.

gnomAD v4.1: 1 of 1,611,650 alleles (0.000062%); highest among the groups gnomAD compares: Non-Finnish European, 0.000085%; no homozygotes.

Submissions (2):

Fulgent Genetics
Classification: Likely pathogenic for Microcephaly 1, primary, autosomal recessive. Last evaluated: 2024-01-12. Review status: criteria provided, single submitter. Criteria: ACMG Guidelines, 2015. Collection method: clinical testing. Allele origin: germline.

Juno Genomics, Hangzhou Juno Genomics, Inc
Classification: Likely pathogenic for Microcephaly 1, primary, autosomal recessive. Review status: criteria provided, single submitter. Criteria: ACMG Guidelines, 2015. Collection method: clinical testing. Allele origin: germline.
Comment: Null variant in a gene where loss of function (LOF) is a known mechanism of disease.;Absent from controls (or at extremely low frequency if recessive) in Genome Aggregation Database.